The following is an entry in ClinVar:

ClinVar aggregate classification (germline): Uncertain significance (1 of 4 stars; one submission).

Conditions:
Nephronophthisis. Also called: Juvenile Nephronophthisis. Identifiers: Orphanet 655, MedGen C0687120, MONDO:0019005, HP:0000090.

gnomAD v4.1: 1 of 1,613,124 alleles (0.000062%); highest among the groups gnomAD compares: Admixed American, 0.0017%; no homozygotes.

Submission:

Labcorp Genetics (formerly Invitae), Labcorp
Classification: Uncertain significance for Nephronophthisis. Last evaluated: 2020-01-23. Review status: criteria provided, single submitter. Criteria: Invitae Variant Classification Sherloc (09022015). Collection method: clinical testing. Allele origin: germline.
Comment: In summary, the available evidence is currently insufficient to determine the role of this variant in disease. Therefore, it has been classified as a Variant of Uncertain Significance. This variant has not been reported in the literature in individuals with NPHP4-related conditions. This variant is not present in population databases (ExAC no frequency). This sequence change replaces alanine with proline at codon 983 of the NPHP4 protein (p.Ala983Pro). The alanine residue is moderately conserved and there is a small physicochemical difference between alanine and proline. Algorithms developed to predict the effect of missense changes on protein structure and function (SIFT, PolyPhen-2, Align-GVGD) all suggest that this variant is likely to be tolerated, but these predictions have not been confirmed by published functional studies and their clinical significance is uncertain.

NM_015102.5(NPHP4):c.2947G>C (p.Ala983Pro)

Gene: NPHP4 (nephrocystin 4; minus strand). Cytogenetic location: 1p36.31.
Variant type: single nucleotide variant.
Coding change: c.2947G>C on transcript NM_015102.5 (MANE Select); coding-DNA position 2947, G replaced by C.
Protein change: p.Ala983Pro; replaces alanine 983 with proline.
Molecular consequence: missense variant. On other transcripts: non-coding transcript variant (1).
Genome position (GRCh38, 1-based): chr1:5,874,971, C>G on the plus strand (G>C on the coding strand, the complement: NPHP4 is on the minus strand). VCF-style: chr1-5874971-C-G. GRCh37 (hg19) VCF-style: chr1-5935031-C-G.
Other names: c.1408G>C, p.Ala470Pro (NM_001291593.2); c.1411G>C, p.Ala471Pro (NM_001291594.2); short protein forms A470P, A471P, A983P.
Identifiers: ClinVar variation 1056919 (VCV001056919.9), dbSNP rs760239548, ClinGen allele CA338056297.